The following is an entry in ClinVar:

NM_024301.5(FKRP):c.541C>A (p.Arg181Ser)

Gene: FKRP (fukutin related protein; plus strand). Cytogenetic location: 19q13.32.
Variant type: single nucleotide variant.
Coding change: c.541C>A on transcript NM_024301.5 (MANE Select); coding-DNA position 541, C replaced by A.
Protein change: p.Arg181Ser; replaces arginine 181 with serine.
Molecular consequence: missense variant.
Genome position (GRCh38, 1-based): chr19:46,755,991, C>A. VCF-style: chr19-46755991-C-A. GRCh37 (hg19) VCF-style: chr19-47259248-C-A.
Other names: c.541C>A, p.Arg181Ser (NM_001039885.3); short protein forms R181S.
Identifiers: ClinVar variation 528815 (VCV000528815.14), dbSNP rs777245868, ClinGen allele CA9532162.

ClinVar aggregate classification (germline): Uncertain significance. Review status: criteria provided, multiple submitters, no conflicts (2 of 4 stars). 6 submissions from 6 submitters: Uncertain significance (5). 1 of the submissions does not count toward it. Last evaluated 2024-06-07.

Conditions:
Muscular dystrophy-dystroglycanopathy type B5 (MDDGB5). Also called: MUSCULAR DYSTROPHY-DYSTROGLYCANOPATHY (CONGENITAL WITH OR WITHOUT IMPAIRED INTELLECTUAL DEVELOPMENT), TYPE B, 5; MUSCULAR DYSTROPHY, CONGENITAL, 1C; MUSCULAR DYSTROPHY, CONGENITAL, FKRP-RELATED. Identifiers: MedGen C1847759, MONDO:0011688, OMIM 606612.
Muscular dystrophy-dystroglycanopathy (congenital with brain and eye anomalies), type A1 (MDDGA1). Also called: COD-MD SYNDROME; WALKER-WARBURG SYNDROME OR MUSCLE-EYE-BRAIN DISEASE, POMT1-RELATED; Hydrocephalus, agyria and retinal dysplasia; Hard +/- E syndrome; Warburg syndrome; Chemke syndrome. Identifiers: Orphanet 588, Orphanet 899, MedGen C4284790, MONDO:0009364, OMIM 236670.
Autosomal recessive limb-girdle muscular dystrophy type 2I. Also called: MUSCULAR DYSTROPHY-DYSTROGLYCANOPATHY (LIMB-GIRDLE), TYPE C, 5; MUSCULAR DYSTROPHY, LIMB-GIRDLE, TYPE 2I; MUSCULAR DYSTROPHY-DYSTROGLYCANOPATHY, LIMB-GIRDLE, FRKP-RELATED. Identifiers: Orphanet 34515, MedGen C1846672, MONDO:0011787, OMIM 607155.
Muscular dystrophy-dystroglycanopathy (congenital with brain and eye anomalies), type A5. Also called: MUSCULAR DYSTROPHY-DYSTROGLYCANOPATHY (CONGENITAL WITH BRAIN AND EYE ANOMALIES), TYPE A, 5; WALKER-WARBURG SYNDROME OR MUSCLE-EYE-BRAIN DISEASE, FKRP-RELATED. Identifiers: Orphanet 588, Orphanet 899, MedGen C3150413, MONDO:0013157, OMIM 613153.
Cardiovascular phenotype. Identifiers: MedGen CN230736.
Walker-Warburg congenital muscular dystrophy. Also called: Muscular dystrophy-dystroglycanopathy, type A; Walker-Warburg syndrome. Identifiers: Orphanet 899, MedGen C0265221, MONDO:0000171.

Allele frequency attached by ClinVar (database versions not stated): TOPMed 0.00003; gnomAD 0.00006; gnomAD exomes 0.00007; ExAC 0.00022.
gnomAD v4.1: 71 of 1,545,306 alleles (0.0046%); highest among the groups gnomAD compares: Non-Finnish European, 0.0059%; no homozygotes.

Submissions (6):

Ambry Genetics
Classification: Uncertain significance for Cardiovascular phenotype. Last evaluated: 2024-06-07. Review status: criteria provided, single submitter. Criteria: Ambry Variant Classification Scheme 2023. Collection method: clinical testing. Allele origin: germline.
Comment: The p.R181S variant (also known as c.541C>A), located in coding exon 1 of the FKRP gene, results from a C to A substitution at nucleotide position 541. The arginine at codon 181 is replaced by serine, an amino acid with dissimilar properties. This amino acid position is conserved. In addition, this alteration is predicted to be tolerated by in silico analysis. Since supporting evidence is limited at this time, the clinical significance of this alteration remains unclear.

Labcorp Genetics (formerly Invitae), Labcorp
Classification: Uncertain significance for Walker-Warburg congenital muscular dystrophy. Last evaluated: 2022-10-13. Review status: criteria provided, single submitter. Criteria: Invitae Variant Classification Sherloc (09022015). Collection method: clinical testing. Allele origin: germline.
Comment: This sequence change replaces arginine, which is basic and polar, with serine, which is neutral and polar, at codon 181 of the FKRP protein (p.Arg181Ser). This variant is present in population databases (rs777245868, gnomAD 0.01%). This variant has not been reported in the literature in individuals affected with FKRP-related conditions. ClinVar contains an entry for this variant (Variation ID: 528815). Algorithms developed to predict the effect of missense changes on protein structure and function output the following: SIFT: "Tolerated"; PolyPhen-2: "Benign"; Align-GVGD: "Class C0". The serine amino acid residue is found in multiple mammalian species, which suggests that this missense change does not adversely affect protein function. In summary, the available evidence is currently insufficient to determine the role of this variant in disease. Therefore, it has been classified as a Variant of Uncertain Significance.

Fulgent Genetics
Classification: Uncertain significance for Muscular dystrophy-dystroglycanopathy (congenital with brain and eye anomalies), type A1; Muscular dystrophy-dystroglycanopathy type B5; Autosomal recessive limb-girdle muscular dystrophy type 2I; Muscular dystrophy-dystroglycanopathy (congenital with brain and eye anomalies), type A5. Last evaluated: 2021-11-22. Review status: criteria provided, single submitter. Criteria: ACMG Guidelines, 2015. Collection method: clinical testing. Allele origin: unknown.

GeneDx
Classification: Uncertain significance. Last evaluated: 2020-12-21. Review status: criteria provided, single submitter. Criteria: GeneDx Variant Classification Process June 2021. Collection method: clinical testing. Allele origin: germline. Affected: yes.
Comment: Not observed at a significant frequency in large population cohorts (Lek et al., 2016); The majority of missense variants in this gene are considered pathogenic (Stenson et al., 2014); In silico analysis supports that this missense variant does not alter protein structure/function; Reported as heterozygous in an individual with autism and neuromuscular weakness; however, a second FKRP variant was not reported (Athey 2020)

Revvity Omics, Revvity
Classification: Uncertain significance. Last evaluated: 2020-09-14. Review status: criteria provided, single submitter. Criteria: ACMG Guidelines, 2015. Collection method: clinical testing. Allele origin: germline.

Natera, Inc.
Classification: Uncertain significance for Limb-girdle muscular dystrophy type 2I. Last evaluated: 2020-01-24. Review status: no assertion criteria provided. Collection method: clinical testing. Allele origin: germline. Not counted in ClinVar's aggregate classification.